The following is an entry in ClinVar:

ClinVar aggregate classification (germline): Uncertain significance (1 of 4 stars; one submission).

Allele frequency attached by ClinVar (database versions not stated): TOPMed below 0.00001; gnomAD exomes 0.00001; ExAC 0.00002.
gnomAD v4.1: 8 of 1,613,774 alleles (0.0005%); highest among the groups gnomAD compares: South Asian, 0.0011%; no homozygotes.

Submission:

Labcorp Genetics (formerly Invitae), Labcorp
Classification: Uncertain significance. Last evaluated: 2021-09-01. Review status: criteria provided, single submitter. Criteria: Invitae Variant Classification Sherloc (09022015). Collection method: clinical testing. Allele origin: germline.
Comment: This sequence change replaces phenylalanine with leucine at codon 191 of the TNFRSF9 protein (p.Phe191Leu). The phenylalanine residue is weakly conserved and there is a small physicochemical difference between phenylalanine and leucine. This variant is present in population databases (rs758622644, ExAC 0.006%). This variant has not been reported in the literature in individuals affected with TNFRSF9-related conditions. Algorithms developed to predict the effect of missense changes on protein structure and function output the following: SIFT: "Tolerated"; PolyPhen-2: "Benign"; Align-GVGD: "Class C0". The leucine amino acid residue is found in multiple mammalian species, which suggests that this missense change does not adversely affect protein function. In summary, the available evidence is currently insufficient to determine the role of this variant in disease. Therefore, it has been classified as a Variant of Uncertain Significance.

NM_001561.6(TNFRSF9):c.571T>C (p.Phe191Leu)

Gene: TNFRSF9 (TNF receptor superfamily member 9; minus strand). Cytogenetic location: 1p36.23.
Variant type: single nucleotide variant.
Coding change: c.571T>C on transcript NM_001561.6 (MANE Select); coding-DNA position 571, T replaced by C.
Protein change: p.Phe191Leu; replaces phenylalanine 191 with leucine.
Molecular consequence: missense variant.
Genome position (GRCh38, 1-based): chr1:7,933,270, A>G on the plus strand (T>C on the coding strand, the complement: TNFRSF9 is on the minus strand). VCF-style: chr1-7933270-A-G. GRCh37 (hg19) VCF-style: chr1-7993330-A-G.
Other names: short protein forms F191L.
Identifiers: ClinVar variation 1472157 (VCV001472157.5), dbSNP rs758622644, ClinGen allele CA569166.